The following is an entry in ClinVar:

NM_007294.4(BRCA1):c.5563A>G (p.Ile1855Val)

Gene: BRCA1 (BRCA1 DNA repair associated; minus strand). Cytogenetic location: 17q21.31.
Variant type: single nucleotide variant.
Coding change: c.5563A>G on transcript NM_007294.4 (MANE Select); coding-DNA position 5563, A replaced by G.
Protein change: p.Ile1855Val; replaces isoleucine 1855 with valine.
Molecular consequence: missense variant. On other transcripts: 3 prime UTR variant (1), non-coding transcript variant (1).
Genome position (GRCh38, 1-based): chr17:43,045,707, T>C on the plus strand (A>G on the coding strand, the complement: BRCA1 is on the minus strand). VCF-style: chr17-43045707-T-C. GRCh37 (hg19) VCF-style: chr17-41197724-T-C.
Other names: c.5422A>G, p.Ile1808Val (NM_001407724.1, NM_001407725.1, NM_001407726.1 and 12 more transcripts); c.5419A>G, p.Ile1807Val (NM_001407732.1, NM_001407733.1, NM_001407743.1 and 18 more transcripts); c.5353A>G, p.Ile1785Val (NM_001407886.1, NM_001407887.1, NM_001407889.1 and 5 more transcripts); c.5350A>G, p.Ile1784Val (NM_001407894.1, NM_001407895.1, NM_001407896.1 and 12 more transcripts); c.5224A>G, p.Ile1742Val (NM_001407957.1, NM_001407958.1, NM_001407956.1); c.5182A>G, p.Ile1728Val (NM_001407959.1); c.5179A>G, p.Ile1727Val (NM_001407960.1, NM_001407962.1); c.5176A>G, p.Ile1726Val (NM_001407963.1); and 74 more; short protein forms I1808V, I1876V, I751V, I1855V, I1558V, I1686V, I1727V, I1728V.
Identifiers: ClinVar variation 868677 (VCV000868677.7), dbSNP rs2050858402, ClinGen allele CA10590199.

ClinVar aggregate classification (germline): Uncertain significance. Review status: criteria provided, multiple submitters, no conflicts (2 of 4 stars). 2 submissions from 2 submitters: Uncertain significance (2). Last evaluated 2023-08-14.

Conditions:
Hereditary breast ovarian cancer syndrome. Also called: Hereditary breast and ovarian cancer; Hereditary breast and ovarian cancer syndrome (HBOC); Breast and ovarian cancer; Hereditary breast and/or ovarian cancer syndrome; BRCA1- and BRCA2-Associated Hereditary Breast and Ovarian Cancer; Hereditary breast and ovarian cancer syndrome. Identifiers: Orphanet 145, MedGen C0677776, MeSH D061325, MONDO:0003582. Disease mechanism: loss of function.
Breast-ovarian cancer, familial, susceptibility to, 1 (BROVCA1). Also called: BRCA1 Hereditary Breast and Ovarian Cancer; OVARIAN CANCER, SUSCEPTIBILITY TO. Identifiers: Orphanet 145, MedGen C2676676, MONDO:0011450, OMIM 604370. Disease mechanism: loss of function.

Submissions (3):

Labcorp Genetics (formerly Invitae), Labcorp
Classification: Uncertain significance for Hereditary breast ovarian cancer syndrome. Last evaluated: 2023-08-14. Review status: criteria provided, single submitter. Criteria: Invitae Variant Classification Sherloc (09022015). Collection method: clinical testing. Allele origin: germline.
Comment: This sequence change replaces isoleucine, which is neutral and non-polar, with valine, which is neutral and non-polar, at codon 1855 of the BRCA1 protein (p.Ile1855Val). This variant is not present in population databases (gnomAD no frequency). This variant has not been reported in the literature in individuals affected with BRCA1-related conditions. ClinVar contains an entry for this variant (Variation ID: 868677). Advanced modeling performed at Invitae incorporating data from internal and/or published experimental studies (PMID: 30209399) indicates that this missense variant is not expected to disrupt BRCA1 function. In summary, the available evidence is currently insufficient to determine the role of this variant in disease. Therefore, it has been classified as a Variant of Uncertain Significance.

All of Us Research Program, National Institutes of Health
Classification: Uncertain significance for Breast-ovarian cancer, familial, susceptibility to, 1. Last evaluated: 2023-06-08. Review status: criteria provided, single submitter. Criteria: ACMG Guidelines, 2015. Collection method: clinical testing. Allele origin: germline. Inheritance: Autosomal dominant inheritance. Observed: 1 variant allele, 1 heterozygote.
Comment: This missense variant replaces isoleucine with valine at codon 1855 of the BRCA1 protein. Computational prediction suggests that this variant may not impact protein structure and function (internally defined REVEL score threshold <= 0.5, PMID: 27666373). A functional study has reported that this variant does not impact BRCA1 function in a haploid cell proliferation assay (PMID: 30209399). This variant has not been reported in individuals affected with hereditary cancer in the literature. This variant has not been identified in the general population by the Genome Aggregation Database (gnomAD). The available evidence is insufficient to determine the role of this variant in disease conclusively. Therefore, this variant is classified as a Variant of Uncertain Significance.

This study involves interpretation of variants in research participants for the purpose of population health screening. Participant phenotype was not available at the time of variant classification. Additional details can be found in publication PMID: 35346344, PMCID: PMC8962531

Brotman Baty Institute, University of Washington
No classification provided (evidence only). Condition: Breast-ovarian cancer, familial 1. Review status: no classification provided. Collection method: in vitro. Allele origin: not applicable. Functional consequence: functionally_normal. Not counted in ClinVar's aggregate classification.
ClinVar note: "not provided" was previously submitted as the classification for the variant. However, the classification appeared to be based only on an observation of functional data so it was converted to no classification on 2025-07-30.

Literature cited by the submitters: PubMed 30209399 (cited by Labcorp Genetics (formerly Invitae), Labcorp and All of Us Research Program, National Institutes of Health).